The following is an entry in ClinVar:

ClinVar aggregate classification (germline): Likely benign. Review status: criteria provided, multiple submitters, no conflicts (2 of 4 stars). 7 submissions from 7 submitters: Likely benign (6). 1 of the submissions does not count toward it. Last evaluated 2026-01-19.

Conditions:
RET-related disorder. Also called: RET-related disorders; RET-related condition; RET-related disease.
Hereditary cancer-predisposing syndrome. Also called: Neoplastic Syndromes, Hereditary; Hereditary neoplastic syndrome; Hereditary Cancer Syndrome; Tumor predisposition. Identifiers: Orphanet 140162, MedGen C0027672, MeSH D009386, MONDO:0015356.
Multiple endocrine neoplasia, type 2 (MEN2). Identifiers: Orphanet 653, MedGen C4048306, MONDO:0019003. Disease mechanism: gain of function.

Allele frequency attached by ClinVar (database versions not stated): ExAC 0.00003; TOPMed 0.00005; gnomAD 0.00006; gnomAD exomes 0.00001 and 0.00002.
gnomAD v4.1: 16 of 1,612,594 alleles (0.00099%); highest among the groups gnomAD compares: African/African-American, 0.015%; no homozygotes.

Submissions (7):

Labcorp Genetics (formerly Invitae), Labcorp
Classification: Likely benign for Multiple endocrine neoplasia, type 2. Last evaluated: 2026-01-19. Review status: criteria provided, single submitter. Criteria: Invitae Variant Classification Sherloc (09022015). Collection method: clinical testing. Allele origin: germline.

All of Us Research Program, National Institutes of Health
Classification: Likely benign for Multiple endocrine neoplasia, type 2. Last evaluated: 2024-07-20. Review status: criteria provided, single submitter. Criteria: ACMG Guidelines, 2015. Collection method: clinical testing. Allele origin: germline. Inheritance: Autosomal dominant inheritance. Observed: 7 variant alleles, 7 heterozygotes.
Comment: This study involves interpretation of variants in research participants for the purpose of population health screening. Participant phenotype was not available at the time of variant classification. Additional details can be found in publication PMID: 35346344, PMCID: PMC8962531

Color Diagnostics, LLC DBA Color Health
Classification: Likely benign for Multiple endocrine neoplasia, type 2. Last evaluated: 2022-11-06. Review status: criteria provided, single submitter. Criteria: ACMG Guidelines, 2015. Collection method: clinical testing. Allele origin: germline.

Blueprint Genetics
Classification: Likely benign. Last evaluated: 2022-03-31. Review status: criteria provided, single submitter. Criteria: ACMG Guidelines, 2015. Collection method: clinical testing. Allele origin: germline.

Sema4
Classification: Likely benign for Hereditary cancer-predisposing syndrome. Last evaluated: 2021-04-23. Review status: criteria provided, single submitter. Criteria: Sema4 Curation Guidelines. Collection method: curation. Allele origin: germline.

Ambry Genetics
Classification: Likely benign for Hereditary cancer-predisposing syndrome. Last evaluated: 2020-06-19. Review status: criteria provided, single submitter. Criteria: Ambry Variant Classification Scheme 2023. Collection method: clinical testing. Allele origin: germline.

PreventionGenetics, part of Exact Sciences
Classification: Likely benign for RET-related condition. Last evaluated: 2024-08-27. Review status: no assertion criteria provided. Collection method: clinical testing. Allele origin: germline. Not counted in ClinVar's aggregate classification.
Comment: This variant is classified as likely benign based on ACMG/AMP sequence variant interpretation guidelines (Richards et al. 2015 PMID: 25741868, with internal and published modifications).

NM_020975.6(RET):c.816C>T (p.Phe272=)

Gene: RET (ret proto-oncogene; plus strand). Cytogenetic location: 10q11.21.
Variant type: single nucleotide variant.
Coding change: c.816C>T on transcript NM_020975.6 (MANE Select); coding-DNA position 816, C replaced by T.
Protein change: p.Phe272=; no amino-acid change (phenylalanine 272 retained).
Molecular consequence: synonymous variant. On other transcripts: intron variant (22).
Genome position (GRCh38, 1-based): chr10:43,105,142, C>T. VCF-style: chr10-43105142-C-T. GRCh37 (hg19) VCF-style: chr10-43600590-C-T.
Other names: c.816C>T, p.Phe272= (NM_000323.2, NM_001406743.1, NM_001406744.1 and 8 more transcripts); c.54C>T, p.Phe18= (NM_001355216.2); c.687C>T, p.Phe229= (NM_001406761.1, NM_001406762.1, NM_001406764.1 and 2 more transcripts); c.528C>T, p.Phe176= (NM_001406766.1, NM_001406767.1, NM_001406770.1); c.625+2513C>T (NM_001406773.1, NM_001406771.1, NM_001406782.1 and 5 more transcripts); c.496+2513C>T (NM_001406786.1, NM_001406783.1); c.338-3889C>T (NM_001406778.1, NM_001406775.1, NM_001406776.1 and 1 more transcripts); c.337+4420C>T (NM_001406790.1, NM_001406788.1, NM_001406789.1 and 1 more transcripts); and 2 more.
Identifiers: ClinVar variation 698232 (VCV000698232.19), dbSNP rs754428451, ClinGen allele CA044952.
Genomic context (GRCh38, chr10:43,105,142, plus strand): 5'-GGTGGTGATGGTGCCCTTCCCGGTGACCGTGTACGACGAGGACGACTCGGCGCCCACCTT[C>T]CCCGCGGGCGTCGACACCGCCAGCGCCGTGGTGGAGTTCAAGCGGAAGGAGGTGCTTGTC-3'
Protein context (NP_066124.1, residues 262-282): VYDEDDSAPT[Phe272=]PAGVDTASAV